The following is an entry in ClinVar:

NM_001252024.2(TRPM1):c.795G>C (p.Leu265=)

Gene: TRPM1 (transient receptor potential cation channel subfamily M member 1; minus strand). Cytogenetic location: 15q13.3.
Variant type: single nucleotide variant.
Coding change: c.795G>C on transcript NM_001252024.2 (MANE Select); coding-DNA position 795, G replaced by C.
Protein change: p.Leu265=; no amino-acid change (leucine 265 retained).
Molecular consequence: synonymous variant.
Genome position (GRCh38, 1-based): chr15:31,063,288, C>G on the plus strand (G>C on the coding strand, the complement: TRPM1 is on the minus strand). VCF-style: chr15-31063288-C-G. GRCh37 (hg19) VCF-style: chr15-31355491-C-G.
Other names: c.846G>C, p.Leu282= (NM_001252020.2); c.729G>C, p.Leu243= (NM_002420.6); c.846G>C (NM_001252020.1).
Identifiers: ClinVar variation 885360 (VCV000885360.15), dbSNP rs371394864, ClinGen allele CA7452798.

ClinVar aggregate classification (germline): Conflicting classifications of pathogenicity. Review status: criteria provided, conflicting classifications (1 of 4 stars). 4 submissions from 4 submitters: Uncertain significance (1); Likely benign (2). 1 of the submissions does not count toward it. Last evaluated 2026-01-07.

Conditions:
TRPM1-related disorder. Also called: TRPM1-related condition.
Congenital stationary night blindness 1C. Also called: Night blindness, congenital stationary (complete), 1C, autosomal recessive. Identifiers: Orphanet 215, MedGen C2750747, MONDO:0013183, OMIM 613216.

Allele frequency attached by ClinVar (database versions not stated): ESP Exome Variant Server 0.00016; gnomAD exomes 0.00018 and 0.00028; gnomAD 0.00019 and 0.00021; TOPMed 0.00020; ExAC 0.00028.
gnomAD v4.1: 301 of 1,614,088 alleles (0.019%); highest among the groups gnomAD compares: Non-Finnish European, 0.017%; no homozygotes.

Submissions (4):

Labcorp Genetics (formerly Invitae), Labcorp
Classification: Likely benign. Last evaluated: 2026-01-07. Review status: criteria provided, single submitter. Criteria: Invitae Variant Classification Sherloc (09022015). Collection method: clinical testing. Allele origin: germline.

Blueprint Genetics
Classification: Likely benign. Last evaluated: 2024-11-26. Review status: criteria provided, single submitter. Criteria: ACMG Guidelines, 2015. Collection method: clinical testing. Allele origin: germline.

Illumina Laboratory Services, Illumina
Classification: Uncertain significance for Congenital stationary night blindness 1C. Last evaluated: 2018-01-12. Review status: criteria provided, single submitter. Criteria: ICSL Variant Classification Criteria 13 December 2019. Collection method: clinical testing. Allele origin: germline.

PreventionGenetics, part of Exact Sciences
Classification: Likely benign for TRPM1-related condition. Last evaluated: 2020-02-14. Review status: no assertion criteria provided. Collection method: clinical testing. Allele origin: germline. Not counted in ClinVar's aggregate classification.
Comment: This variant is classified as likely benign based on ACMG/AMP sequence variant interpretation guidelines (Richards et al. 2015 PMID: 25741868, with internal and published modifications).